The following is an entry in ClinVar:

NM_182961.4(SYNE1):c.11962G>A (p.Asp3988Asn)

Gene: SYNE1 (spectrin repeat containing nuclear envelope protein 1; minus strand). Cytogenetic location: 6q25.2.
Variant type: single nucleotide variant.
Coding change: c.11962G>A on transcript NM_182961.4 (MANE Select); coding-DNA position 11962, G replaced by A.
Protein change: p.Asp3988Asn; replaces aspartic acid 3988 with asparagine.
Molecular consequence: missense variant.
Genome position (GRCh38, 1-based): chr6:152,347,175, C>T on the plus strand (G>A on the coding strand, the complement: SYNE1 is on the minus strand). VCF-style: chr6-152347175-C-T. GRCh37 (hg19) VCF-style: chr6-152668310-C-T.
Other names: c.11749G>A, p.Asp3917Asn (NM_033071.5); short protein forms D3917N, D3988N.
Identifiers: ClinVar variation 1002206 (VCV001002206.7), dbSNP rs148782440, ClinGen allele CA4056540.

ClinVar aggregate classification (germline): Uncertain significance. Review status: criteria provided, multiple submitters, no conflicts (2 of 4 stars). 2 submissions from 2 submitters: Uncertain significance (2). Last evaluated 2023-02-16.

Conditions:
Autosomal recessive ataxia, Beauce type. Also called: ATAXIA, RECESSIVE, OF BEAUCE; Spinocerebellar ataxia, autosomal recessive 8; SYNE1-Related Autosomal Recessive Cerebellar Ataxia; SYNE1 Deficiency. Identifiers: Orphanet 88644, MedGen C1853116, MONDO:0012549, OMIM 610743.
Emery-Dreifuss muscular dystrophy 4, autosomal dominant (EDMD4). Also called: EMERY-DREIFUSS MUSCULAR DYSTROPHY 4 WITH VARIABLE FEATURES. Identifiers: Orphanet 261, MedGen C2751807, MONDO:0013071, OMIM 612998.

Allele frequency attached by ClinVar (database versions not stated): gnomAD exomes 0.00002; ExAC 0.00003; ESP Exome Variant Server 0.00008.
gnomAD v4.1: 22 of 1,614,184 alleles (0.0014%); highest among the groups gnomAD compares: Middle Eastern, 0.016%; no homozygotes.

Submissions (2):

GeneDx
Classification: Uncertain significance. Last evaluated: 2023-02-16. Review status: criteria provided, single submitter. Criteria: GeneDx Variant Classification Process June 2021. Collection method: clinical testing. Allele origin: germline. Affected: yes.
Comment: Not observed at significant frequency in large population cohorts (gnomAD); In silico analysis supports a deleterious effect on splicing; In silico analysis supports that this missense variant does not alter protein structure/function; Has not been previously published as pathogenic or benign to our knowledge

Labcorp Genetics (formerly Invitae), Labcorp
Classification: Uncertain significance for Emery-Dreifuss muscular dystrophy 4, autosomal dominant; Autosomal recessive ataxia, Beauce type. Last evaluated: 2022-07-12. Review status: criteria provided, single submitter. Criteria: Invitae Variant Classification Sherloc (09022015). Collection method: clinical testing. Allele origin: germline.
Comment: This sequence change replaces aspartic acid, which is acidic and polar, with asparagine, which is neutral and polar, at codon 3917 of the SYNE1 protein (p.Asp3917Asn). This variant is present in population databases (rs148782440, gnomAD 0.01%). This variant has not been reported in the literature in individuals affected with SYNE1-related conditions. ClinVar contains an entry for this variant (Variation ID: 1002206). Algorithms developed to predict the effect of missense changes on protein structure and function are either unavailable or do not agree on the potential impact of this missense change (SIFT: "Deleterious"; PolyPhen-2: "Benign"; Align-GVGD: "Class C15"). Algorithms developed to predict the effect of sequence changes on RNA splicing suggest that this variant may create or strengthen a splice site. In summary, the available evidence is currently insufficient to determine the role of this variant in disease. Therefore, it has been classified as a Variant of Uncertain Significance.